The following is an entry in ClinVar:

NM_000535.7(PMS2):c.1398C>G (p.Gly466=)

Gene: PMS2 (PMS1 homolog 2, mismatch repair system component; minus strand). Cytogenetic location: 7p22.1.
Variant type: single nucleotide variant.
Coding change: c.1398C>G on transcript NM_000535.7 (MANE Select); coding-DNA position 1398, C replaced by G.
Protein change: p.Gly466=; no amino-acid change (glycine 466 retained).
Molecular consequence: synonymous variant. On other transcripts: non-coding transcript variant (1).
Genome position (GRCh38, 1-based): chr7:5,987,367, G>C on the plus strand (C>G on the coding strand, the complement: PMS2 is on the minus strand). VCF-style: chr7-5987367-G-C. GRCh37 (hg19) VCF-style: chr7-6026998-G-C.
Other names: c.993C>G, p.Gly331= (NM_001322003.2, NM_001322004.2, NM_001322005.2 and 1 more transcripts); c.1242C>G, p.Gly414= (NM_001322006.2); c.1080C>G, p.Gly360= (NM_001322007.2, NM_001322008.2); c.837C>G, p.Gly279= (NM_001322010.2); c.465C>G, p.Gly155= (NM_001322011.2, NM_001322012.2); c.825C>G, p.Gly275= (NM_001322013.2); c.1398C>G, p.Gly466= (NM_001322014.2); c.1089C>G, p.Gly363= (NM_001322015.2).
Identifiers: ClinVar variation 455650 (VCV000455650.15), dbSNP rs752666485, ClinGen allele CA043316.

ClinVar aggregate classification (germline): Benign/Likely benign. Review status: criteria provided, multiple submitters, no conflicts (2 of 4 stars). 4 submissions from 4 submitters: Benign (1); Likely benign (3). Last evaluated 2025-02-06.

Conditions:
Hereditary nonpolyposis colorectal neoplasms. Identifiers: MedGen C0009405, MeSH D003123.
Hereditary cancer-predisposing syndrome. Also called: Hereditary Cancer Syndrome; Hereditary neoplastic syndrome; Neoplastic Syndromes, Hereditary; Tumor predisposition. Identifiers: Orphanet 140162, MedGen C0027672, MeSH D009386, MONDO:0015356.
Lynch syndrome 4 (LYNCH4). Also called: Colorectal cancer, hereditary nonpolyposis, type 4; Hereditary non-polyposis colorectal cancer, type 4. Identifiers: Orphanet 144, MedGen C1838333, MONDO:0013699, OMIM 614337. Disease mechanism: loss of function.

gnomAD v4.1: 1 of 1,614,130 alleles (0.000062%); highest among the groups gnomAD compares: Non-Finnish European, 0.000085%; no homozygotes.

Submissions (4):

Labcorp Genetics (formerly Invitae), Labcorp
Classification: Likely benign for Hereditary nonpolyposis colorectal neoplasms. Last evaluated: 2025-02-06. Review status: criteria provided, single submitter. Criteria: Invitae Variant Classification Sherloc (09022015). Collection method: clinical testing. Allele origin: germline.

Myriad Genetics, Inc.
Classification: Benign for Lynch syndrome 4. Last evaluated: 2025-01-30. Review status: criteria provided, single submitter. Criteria: Myriad Autosomal Dominant, Autosomal Recessive and X-Linked Classification Criteria (2023). Collection method: clinical testing. Allele origin: unknown.
Comment: This variant is considered benign. This variant is a silent/synonymous amino acid change and it is not expected to impact splicing.

Color Diagnostics, LLC DBA Color Health
Classification: Likely benign for Hereditary cancer-predisposing syndrome. Last evaluated: 2022-11-06. Review status: criteria provided, single submitter. Criteria: ACMG Guidelines, 2015. Collection method: clinical testing. Allele origin: germline.

Ambry Genetics
Classification: Likely benign for Hereditary cancer-predisposing syndrome. Last evaluated: 2016-08-08. Review status: criteria provided, single submitter. Criteria: Ambry Variant Classification Scheme 2023. Collection method: clinical testing. Allele origin: germline.